The following is an entry in ClinVar:

ClinVar aggregate classification (germline): Pathogenic (1 of 4 stars; one submission).

Conditions:
Congenital glaucoma. Identifiers: MedGen C0020302, MONDO:0020366.

Submission:

Labcorp Genetics (formerly Invitae), Labcorp
Classification: Pathogenic for Congenital glaucoma. Last evaluated: 2023-12-27. Review status: criteria provided, single submitter. Criteria: Invitae Variant Classification Sherloc (09022015). Collection method: clinical testing. Allele origin: germline.
Comment: This sequence change affects the initiator methionine of the CYP1B1 mRNA. The next in-frame methionine is located at codon 132. This variant is not present in population databases (gnomAD no frequency). Disruption of the initiator codon has been observed in individual(s) with primary congenital glaucoma (PMID: 11403040). In at least one individual the data is consistent with being in trans (on the opposite chromosome) from a pathogenic variant. Algorithms developed to predict the effect of sequence changes on RNA splicing suggest that this variant may create or strengthen a splice site. This variant disrupts a region of the CYP1B1 protein in which other variant(s) (p.Gly61Glu) have been determined to be pathogenic (PMID: 9463332, 12372064, 19234632). This suggests that this is a clinically significant region of the protein, and that variants that disrupt it are likely to be disease-causing. For these reasons, this variant has been classified as Pathogenic.

Literature cited by the submitters: PubMed 11403040; PubMed 9463332; PubMed 12372064; PubMed 19234632.

NM_000104.4(CYP1B1):c.2T>G (p.Met1Arg)

Gene: CYP1B1 (cytochrome P450 family 1 subfamily B member 1; minus strand). Cytogenetic location: 2p22.2.
Variant type: single nucleotide variant.
Coding change: c.2T>G on transcript NM_000104.4 (MANE Select); coding-DNA position 2, T replaced by G.
Protein change: p.Met1Arg; changes the start codon (methionine 1).
Molecular consequence: missense variant, initiator codon variant.
Genome position (GRCh38, 1-based): chr2:38,075,387, A>C on the plus strand (T>G on the coding strand, the complement: CYP1B1 is on the minus strand). VCF-style: chr2-38075387-A-C. GRCh37 (hg19) VCF-style: chr2-38302530-A-C.
Other names: short protein forms M1R.
Identifiers: ClinVar variation 2705933 (VCV002705933.3), dbSNP rs72549389, ClinGen allele CA346330095.
Genomic context (GRCh38, chr2:38,075,387, plus strand): 5'-GTCTGCTGGATGGACAGCGGGTTTAGCGGCCAAGGGTCGTTCGGGCTGAGGCTGGTGCCC[A>C]TGCTGGGGACAGAGAGGAGAAGGCGTGACACTCAGGGGTGCAGAGACAGGAGCGGGCGCC-3'
Protein context (NP_000095.2, residues 1-11): [Met1Arg]GTSLSPNDPW